The following is an entry in ClinVar:

NM_000218.3(KCNQ1):c.1384G>A (p.Asp462Asn)

Gene: KCNQ1 (potassium voltage-gated channel subfamily Q member 1; plus strand). Cytogenetic location: 11p15.5.
Variant type: single nucleotide variant.
Coding change: c.1384G>A on transcript NM_000218.3 (MANE Select); coding-DNA position 1384, G replaced by A.
Protein change: p.Asp462Asn; replaces aspartic acid 462 with asparagine.
Molecular consequence: missense variant.
Genome position (GRCh38, 1-based): chr11:2,588,845, G>A. VCF-style: chr11-2588845-G-A. GRCh37 (hg19) VCF-style: chr11-2610075-G-A.
Other names: c.1288G>A, p.Asp430Asn (NM_001406836.1); c.1114G>A, p.Asp372Asn (NM_001406837.1); c.844G>A, p.Asp282Asn (NM_001406838.1); c.1003G>A, p.Asp335Asn (NM_181798.2); short protein forms D462N, D335N, D372N, D282N, D430N.
Identifiers: ClinVar variation 940662 (VCV000940662.11), dbSNP rs776205380, ClinGen allele CA029054.

ClinVar aggregate classification (germline): Uncertain significance. Review status: criteria provided, multiple submitters, no conflicts (2 of 4 stars). 2 submissions from 2 submitters: Uncertain significance (2). Last evaluated 2025-07-02.

Conditions:
Cardiac arrhythmia. Also called: Cardiac rhythm disease; Arrhythmia. Identifiers: MedGen C0003811, MONDO:0007263, HP:0011675.
Long QT syndrome (LQTS). Identifiers: MedGen C0023976, MeSH D008133, MONDO:0002442. Disease mechanism: loss of function. Inheritance: Various modes of inheritance.

Allele frequency attached by ClinVar (database versions not stated): TOPMed 0.00001; gnomAD 0.00001; gnomAD exomes below 0.00001; ExAC 0.00001.
gnomAD v4.1: 3 of 1,611,908 alleles (0.00019%); highest among the groups gnomAD compares: Admixed American, 0.005%; no homozygotes.

Submissions (2):

Color Diagnostics, LLC DBA Color Health
Classification: Uncertain significance for Cardiac arrhythmia. Last evaluated: 2025-07-02. Review status: criteria provided, single submitter. Criteria: ACMG Guidelines, 2015. Collection method: clinical testing. Allele origin: germline.
Comment: This missense variant replaces aspartic acid with asparagine at codon 462 of the KCNQ1 protein. Computational prediction suggests that this variant may not impact protein structure and function. To our knowledge, functional studies have not been reported for this variant. This variant has been reported in an individual suspected to be affected with cardiomyopathy or arrhythmia (PMID: 35947370). This variant has been identified in 1/248964 chromosomes in the general population by the Genome Aggregation Database (gnomAD). The available evidence is insufficient to determine the role of this variant in disease conclusively. Therefore, this variant is classified as a Variant of Uncertain Significance.

Labcorp Genetics (formerly Invitae), Labcorp
Classification: Uncertain significance for Long QT syndrome. Last evaluated: 2020-08-14. Review status: criteria provided, single submitter. Criteria: Invitae Variant Classification Sherloc (09022015). Collection method: clinical testing. Allele origin: germline.
Comment: This variant has not been reported in the literature in individuals with KCNQ1-related conditions. This variant is present in population databases (rs776205380, ExAC 0.009%). This sequence change replaces aspartic acid with asparagine at codon 462 of the KCNQ1 protein (p.Asp462Asn). The aspartic acid residue is weakly conserved and there is a small physicochemical difference between aspartic acid and asparagine. Algorithms developed to predict the effect of missense changes on protein structure and function (SIFT, PolyPhen-2, Align-GVGD) all suggest that this variant is likely to be tolerated, but these predictions have not been confirmed by published functional studies and their clinical significance is uncertain. In summary, the available evidence is currently insufficient to determine the role of this variant in disease. Therefore, it has been classified as a Variant of Uncertain Significance.

Literature cited by the submitters: PubMed 35947370 (cited by Color Diagnostics, LLC DBA Color Health).